The following is an entry in ClinVar:

NM_000578.4(SLC11A1):c.1328T>C (p.Val443Ala)

Gene: SLC11A1 (solute carrier family 11 member 1; plus strand). Cytogenetic location: 2q35.
Variant type: single nucleotide variant.
Coding change: c.1328T>C on transcript NM_000578.4 (MANE Select); coding-DNA position 1328, T replaced by C.
Protein change: p.Val443Ala; replaces valine 443 with alanine.
Molecular consequence: missense variant.
Genome position (GRCh38, 1-based): chr2:218,394,133, T>C. VCF-style: chr2-218394133-T-C. GRCh37 (hg19) VCF-style: chr2-219258856-T-C.
Other names: short protein forms V443A.
Identifiers: ClinVar variation 787164 (VCV000787164.29), dbSNP rs17215556, ClinGen allele CA2105325.

ClinVar aggregate classification (germline): Benign. Review status: criteria provided, multiple submitters, no conflicts (2 of 4 stars). 3 submissions from 3 submitters: Benign (3). Last evaluated 2026-08-01.

Allele frequency attached by ClinVar (database versions not stated): 1000 Genomes Project 30x 0.00687; 1000 Genomes Project 0.00699; gnomAD 0.00702 and 0.00708; TOPMed 0.00732; ESP Exome Variant Server 0.00746; gnomAD exomes 0.00943 and 0.00793; ExAC 0.00846.
gnomAD v4.1: 14,747 of 1,614,144 alleles (0.91%); highest among the groups gnomAD compares: Non-Finnish European, 1.1%; 89 homozygotes.

Submissions (3):

CeGaT Center for Human Genetics Tuebingen
Classification: Benign. Last evaluated: 2026-08-01. Review status: criteria provided, single submitter. Criteria: CeGaT Center For Human Genetics Tuebingen Variant Classification Criteria Version 2. Collection method: clinical testing. Allele origin: germline. Affected: yes. Observed: 5 variant alleles.
Comment: SLC11A1: BS1, BS2

Labcorp Genetics (formerly Invitae), Labcorp
Classification: Benign. Last evaluated: 2019-12-31. Review status: criteria provided, single submitter. Criteria: Invitae Variant Classification Sherloc (09022015). Collection method: clinical testing. Allele origin: germline.

Breakthrough Genomics
Classification: Benign. Review status: criteria provided, single submitter. Criteria: ACMG Guidelines, 2015. Collection method: not provided. Allele origin: germline. Inheritance: Unknown mechanism. Affected: yes.